The following is an entry in ClinVar:

NM_007347.5(AP4E1):c.2783C>T (p.Ser928Leu)

Gene: AP4E1 (adaptor related protein complex 4 subunit epsilon 1; plus strand). Cytogenetic location: 15q21.2.
Variant type: single nucleotide variant.
Coding change: c.2783C>T on transcript NM_007347.5 (MANE Select); coding-DNA position 2783, C replaced by T.
Protein change: p.Ser928Leu; replaces serine 928 with leucine.
Molecular consequence: missense variant.
Genome position (GRCh38, 1-based): chr15:50,997,762, C>T. VCF-style: chr15-50997762-C-T. GRCh37 (hg19) VCF-style: chr15-51289959-C-T.
Other names: c.2558C>T, p.Ser853Leu (NM_001252127.2); short protein forms S853L, S928L.
Identifiers: ClinVar variation 2430582 (VCV002430582.1), dbSNP rs2064899242, ClinGen allele CA392420728.

ClinVar aggregate classification (germline): Uncertain significance (1 of 4 stars; one submission).

Submission:

GeneDx
Classification: Uncertain significance. Last evaluated: 2022-08-23. Review status: criteria provided, single submitter. Criteria: GeneDx Variant Classification Process June 2021. Collection method: clinical testing. Allele origin: germline. Affected: yes.
Comment: Not observed at significant frequency in large population cohorts (gnomAD); In silico analysis supports that this missense variant does not alter protein structure/function; Has not been previously published as pathogenic or benign to our knowledge